The following is an entry in ClinVar:

ClinVar aggregate classification (germline): Uncertain significance. Review status: criteria provided, multiple submitters, no conflicts (2 of 4 stars). 2 submissions from 2 submitters: Uncertain significance (2). Last evaluated 2024-07-20.

Conditions:
Cardiovascular phenotype. Identifiers: MedGen CN230736.
Arrhythmogenic right ventricular cardiomyopathy (ARVD). Also called: Cardiomyopathy, ARVC; Arrhythmogenic right ventricular dysplasia; Arrhythmogenic cardiomyopathy; Arrhythmogenic Right Ventricular Cardiomyopathy (ARVC). Identifiers: Orphanet 247, MedGen C0349788, MeSH D019571, MONDO:0016587. Disease mechanism: loss of function. Inheritance: Various modes of inheritance.

Allele frequency attached by ClinVar (database versions not stated): gnomAD 0.00001; TOPMed 0.00002.
gnomAD v4.1: 2 of 1,613,914 alleles (0.00012%); highest among the groups gnomAD compares: African/African-American, 0.0027%; no homozygotes.

Submissions (2):

All of Us Research Program, National Institutes of Health
Classification: Uncertain significance for Arrhythmogenic right ventricular cardiomyopathy. Last evaluated: 2024-07-20. Review status: criteria provided, single submitter. Criteria: ACMG Guidelines, 2015. Collection method: clinical testing. Allele origin: germline. Inheritance: Autosomal dominant inheritance. Observed: 1 variant allele, 1 heterozygote.
Comment: This missense variant replaces serine with leucine at codon 719 of the PKP2 protein. Computational prediction suggests that this variant may not impact protein structure and function (internally defined REVEL score threshold <= 0.5, PMID: 27666373). To our knowledge, functional studies have not been reported for this variant. This variant has not been reported in individuals affected with PKP2-related disorders in the literature. This variant has not been identified in the general population by the Genome Aggregation Database (gnomAD). The available evidence is insufficient to determine the role of this variant in disease conclusively. Therefore, this variant is classified as a Variant of Uncertain Significance.

This study involves interpretation of variants in research participants for the purpose of population health screening. Participant phenotype was not available at the time of variant classification. Additional details can be found in publication PMID: 35346344, PMCID: PMC8962531

Ambry Genetics
Classification: Uncertain significance for Cardiovascular phenotype. Last evaluated: 2022-04-03. Review status: criteria provided, single submitter. Criteria: Ambry Variant Classification Scheme 2023. Collection method: clinical testing. Allele origin: germline.
Comment: The p.S719L variant (also known as c.2156C>T), located in coding exon 11 of the PKP2 gene, results from a C to T substitution at nucleotide position 2156. The serine at codon 719 is replaced by leucine, an amino acid with dissimilar properties. This amino acid position is conserved. In addition, this alteration is predicted to be tolerated by in silico analysis. Since supporting evidence is limited at this time, the clinical significance of this alteration remains unclear.

NM_001005242.3(PKP2):c.2024C>T (p.Ser675Leu)

Gene: PKP2 (plakophilin 2; minus strand). Cytogenetic location: 12p11.21.
Variant type: single nucleotide variant.
Coding change: c.2024C>T on transcript NM_001005242.3 (MANE Select); coding-DNA position 2024, C replaced by T.
Protein change: p.Ser675Leu; replaces serine 675 with leucine.
Molecular consequence: missense variant.
Genome position (GRCh38, 1-based): chr12:32,802,546, G>A on the plus strand (C>T on the coding strand, the complement: PKP2 is on the minus strand). VCF-style: chr12-32802546-G-A. GRCh37 (hg19) VCF-style: chr12-32955480-G-A.
Other names: c.2024C>T, p.Ser675Leu (NM_001407155.1); c.1859C>T, p.Ser620Leu (NM_001407156.1); c.1697C>T, p.Ser566Leu (NM_001407158.1, NM_001407159.1, NM_001407160.1); c.2156C>T, p.Ser719Leu (NM_004572.4); short protein forms S566L, S620L, S675L, S719L.
Identifiers: ClinVar variation 1786819 (VCV001786819.3), dbSNP rs1007329648, ClinGen allele CA235222914.